The following is an entry in ClinVar:

NM_020778.5(ALPK3):c.3256G>A (p.Glu1086Lys)

Gene: ALPK3 (alpha kinase 3; plus strand). Cytogenetic location: 15q25.3.
Variant type: single nucleotide variant.
Coding change: c.3256G>A on transcript NM_020778.5 (MANE Select); coding-DNA position 3256, G replaced by A.
Protein change: p.Glu1086Lys; replaces glutamic acid 1086 with lysine.
Molecular consequence: missense variant.
Genome position (GRCh38, 1-based): chr15:84,857,994, G>A. VCF-style: chr15-84857994-G-A. GRCh37 (hg19) VCF-style: chr15-85401225-G-A.
Other names: short protein forms E1086K.
Identifiers: ClinVar variation 3650354 (VCV003650354.2).
Genomic context (GRCh38, chr15:84,857,994, plus strand): 5'-CCCAGCTCCCTCACTGTCCCTGCCATTGTGGTAGACGAGGAGGACCCTGGGCTGGCCTCA[G>A]AAGGAGCCAGTGAGGGTGAAGGAGAGGTTTCCCCTGAGGGGCCTGGCCTCCTGGGGGCCT-3'
Protein context (NP_065829.4, residues 1076-1096): VDEEDPGLAS[Glu1086Lys]GASEGEGEVS

ClinVar aggregate classification (germline): Uncertain significance (1 of 4 stars; one submission).

gnomAD v4.1: 1 of 1,599,640 alleles (0.000063%); highest among the groups gnomAD compares: South Asian, 0.0011%; no homozygotes.

Submission:

Labcorp Genetics (formerly Invitae), Labcorp
Classification: Uncertain significance. Last evaluated: 2024-04-18. Review status: criteria provided, single submitter. Criteria: Invitae Variant Classification Sherloc (09022015). Collection method: clinical testing. Allele origin: germline.
Comment: This sequence change replaces glutamic acid, which is acidic and polar, with lysine, which is basic and polar, at codon 1288 of the ALPK3 protein (p.Glu1288Lys). This variant is present in population databases (rs756157290, gnomAD 0.004%). This variant has not been reported in the literature in individuals affected with ALPK3-related conditions. Advanced modeling of protein sequence and biophysical properties (such as structural, functional, and spatial information, amino acid conservation, physicochemical variation, residue mobility, and thermodynamic stability) has been performed at Invitae for this missense variant, however the output from this modeling did not meet the statistical confidence thresholds required to predict the impact of this variant on ALPK3 protein function. In summary, the available evidence is currently insufficient to determine the role of this variant in disease. Therefore, it has been classified as a Variant of Uncertain Significance.